The following is an entry in ClinVar:

NM_001184.4(ATR):c.311T>C (p.Ile104Thr)

Gene: ATR (ATR checkpoint kinase; minus strand). Cytogenetic location: 3q23.
Variant type: single nucleotide variant.
Coding change: c.311T>C on transcript NM_001184.4 (MANE Select); coding-DNA position 311, T replaced by C.
Protein change: p.Ile104Thr; replaces isoleucine 104 with threonine.
Molecular consequence: missense variant.
Genome position (GRCh38, 1-based): chr3:142,563,091, A>G on the plus strand (T>C on the coding strand, the complement: ATR is on the minus strand). VCF-style: chr3-142563091-A-G. GRCh37 (hg19) VCF-style: chr3-142281933-A-G.
Other names: c.311T>C, p.Ile104Thr (NM_001354579.2); short protein forms I104T.
Identifiers: ClinVar variation 1393951 (VCV001393951.6), dbSNP rs2108488888, ClinGen allele CA354827467.

ClinVar aggregate classification (germline): Uncertain significance (1 of 4 stars; one submission).

Submission:

Labcorp Genetics (formerly Invitae), Labcorp
Classification: Uncertain significance. Last evaluated: 2022-10-17. Review status: criteria provided, single submitter. Criteria: Invitae Variant Classification Sherloc (09022015). Collection method: clinical testing. Allele origin: germline.
Comment: This variant is not present in population databases (gnomAD no frequency). This sequence change replaces isoleucine, which is neutral and non-polar, with threonine, which is neutral and polar, at codon 104 of the ATR protein (p.Ile104Thr). This variant has not been reported in the literature in individuals affected with ATR-related conditions. ClinVar contains an entry for this variant (Variation ID: 1393951). In summary, the available evidence is currently insufficient to determine the role of this variant in disease. Therefore, it has been classified as a Variant of Uncertain Significance. Algorithms developed to predict the effect of missense changes on protein structure and function are either unavailable or do not agree on the potential impact of this missense change (SIFT: "Deleterious"; PolyPhen-2: "Benign"; Align-GVGD: "Class C0").